The following is an entry in ClinVar:

NM_003975.4(SH2D2A):c.123+181C>T

Genes: NTRK1 (neurotrophic receptor tyrosine kinase 1; plus strand), SH2D2A (SH2 domain containing 2A; minus strand). Cytogenetic location: 1q23.1.
Variant type: single nucleotide variant.
Coding change: c.123+181C>T on transcript NM_003975.4 (MANE Select); 181 bases into the intron after coding-DNA position 123, C replaced by T.
Molecular consequence: intron variant. On other transcripts: 5 prime UTR variant (1).
Genome position (GRCh38, 1-based): chr1:156,815,825, G>A on the plus strand (C>T on the coding strand, the complement: SH2D2A is on the minus strand). VCF-style: chr1-156815825-G-A. GRCh37 (hg19) VCF-style: chr1-156785617-G-A.
Other names: c.-5G>A (NM_001007792.1); c.69+181C>T (NM_001161442.2); c.123+181C>T (NM_001161441.2, NM_001161444.2, NM_001161441.1); c.39+181C>T (NM_001161443.2).
Identifiers: ClinVar variation 380853 (VCV000380853.11), dbSNP rs1800601, ClinGen allele CA1167403.
Genomic context (GRCh38, chr1:156,815,825, plus strand): 5'-GCGGACTCAGCCTGAGCTTCCAGAGGGCCTAGGAGCAGTAAGGGAGTGAGTGGGCAACTC[G>A]GCGCATGAAGGAGGTACTCCTCATTTTCGTTCTCTCTCTCTGTGCCCCAGCCCGTTGGCA-3'

ClinVar aggregate classification (germline): Benign. Review status: criteria provided, multiple submitters, no conflicts (2 of 4 stars). 7 submissions from 7 submitters: Benign (5). 2 of the submissions do not count toward it. Last evaluated 2024-11-26.

Conditions:
X-linked lymphoproliferative disease due to SH2D1A deficiency (XLP1). Also called: IMMUNODEFICIENCY 5; IMMUNODEFICIENCY, X-LINKED PROGRESSIVE COMBINED VARIABLE; INFECTIOUS MONONUCLEOSIS, SEVERE, SUSCEPTIBILITY TO; PURTILO SYNDROME; DUNCAN DISEASE; SH2D1A-Related Lymphoproliferative Disease, X-Linked. Identifiers: Orphanet 2442, Orphanet 538931, MedGen C5399825, MONDO:0024551, OMIM 308240.
Hereditary insensitivity to pain with anhidrosis (CIPA). Also called: NTRK1 Congenital Insensitivity to Pain with Anhidrosis; NEUROPATHY, CONGENITAL SENSORY, WITH ANHIDROSIS; INSENSITIVITY TO PAIN, CONGENITAL, WITH ANHIDROSIS; hereditary sensory and autonomic neuropathy type 4; FAMILIAL DYSAUTONOMIA, TYPE II; HSAN Type IV. Identifiers: Orphanet 642, MedGen C0020074, MONDO:0009746, OMIM 256800.

Allele frequency attached by ClinVar (database versions not stated): ESP Exome Variant Server 0.61771; 1000 Genomes Project 0.63698; ExAC 0.66741; TOPMed 0.63527; 1000 Genomes Project 30x 0.62851.
gnomAD v4.1: 1,089,140 of 1,613,396 alleles (68%); highest among the groups gnomAD compares: East Asian, 82%; 370,132 homozygotes.

Submissions (7):

Blueprint Genetics
Classification: Benign. Last evaluated: 2024-11-26. Review status: criteria provided, single submitter. Criteria: ACMG Guidelines, 2015. Collection method: clinical testing. Allele origin: germline.

KCCC/NGS Laboratory, Kuwait Cancer Control Center
Classification: Benign for X-linked lymphoproliferative disease due to SH2D1A deficiency. Last evaluated: 2023-07-07. Review status: criteria provided, single submitter. Criteria: ACMG Guidelines, 2015. Collection method: clinical testing. Allele origin: germline. Affected: yes.

Genome-Nilou Lab
Classification: Benign for Hereditary insensitivity to pain with anhidrosis. Last evaluated: 2021-07-08. Review status: criteria provided, single submitter. Criteria: ACMG Guidelines, 2015. Collection method: clinical testing. Allele origin: germline. Affected: no.

GeneDx
Classification: Benign. Last evaluated: 2016-01-07. Review status: criteria provided, single submitter. Criteria: GeneDx Variant Classification (06012015). Collection method: clinical testing. Allele origin: germline. Affected: yes.
Comment: This variant is considered likely benign or benign based on one or more of the following criteria: it is a conservative change, it occurs at a poorly conserved position in the protein, it is predicted to be benign by multiple in silico algorithms, and/or has population frequency not consistent with disease.

Breakthrough Genomics
Classification: Benign. Review status: criteria provided, single submitter. Criteria: ACMG Guidelines, 2015. Collection method: not provided. Allele origin: germline. Inheritance: Unknown mechanism. Affected: yes.

Clinical Genetics, Academic Medical Center
Classification: Benign. Review status: no assertion criteria provided. Collection method: clinical testing. Allele origin: germline. Affected: yes. Study: VKGL Data-share Consensus. Not counted in ClinVar's aggregate classification.

Diagnostic Laboratory, Department of Genetics, University Medical Center Groningen
Classification: Benign. Review status: no assertion criteria provided. Collection method: clinical testing. Allele origin: germline. Affected: yes. Study: VKGL Data-share Consensus. Not counted in ClinVar's aggregate classification.